The following is an entry in ClinVar:

ClinVar aggregate classification (germline): Pathogenic (1 of 4 stars; one submission).

Conditions:
Familial thoracic aortic aneurysm and aortic dissection (TAAD). Also called: Thoracic aortic aneurysms and dissections. Identifiers: Orphanet 91387, MedGen C4707243, MONDO:0019625.

Submission:

Labcorp Genetics (formerly Invitae), Labcorp
Classification: Pathogenic for Familial thoracic aortic aneurysm and aortic dissection. Last evaluated: 2019-05-24. Review status: criteria provided, single submitter. Criteria: Invitae Variant Classification Sherloc (09022015). Collection method: clinical testing. Allele origin: germline.
Comment: For these reasons, this variant has been classified as Pathogenic. This sequence change creates a premature translational stop signal (p.Tyr184*) in the SMAD3 gene. It is expected to result in an absent or disrupted protein product. This variant is not present in population databases (ExAC no frequency). This variant has not been reported in the literature in individuals with SMAD3-related conditions. Loss-of-function variants in SMAD3 are known to be pathogenic (PMID: 21778426, 24804794).

Literature cited by the submitters: PubMed 21778426; PubMed 24804794.

NM_005902.4(SMAD3):c.552C>G (p.Tyr184Ter)

Gene: SMAD3 (SMAD family member 3; plus strand). Cytogenetic location: 15q22.33.
Variant type: single nucleotide variant.
Coding change: c.552C>G on transcript NM_005902.4 (MANE Select); coding-DNA position 552, C replaced by G.
Protein change: p.Tyr184Ter; replaces tyrosine 184 with a stop codon.
Molecular consequence: nonsense. On other transcripts: 5 prime UTR variant (1).
Genome position (GRCh38, 1-based): chr15:67,166,798, C>G. VCF-style: chr15-67166798-C-G. GRCh37 (hg19) VCF-style: chr15-67459136-C-G.
Other names: c.237C>G, p.Tyr79Ter (NM_001145102.2); c.420C>G, p.Tyr140Ter (NM_001145103.2); c.-34C>G (NM_001145104.2); short protein forms Y140*, Y184*, Y79*.
Identifiers: ClinVar variation 941926 (VCV000941926.7), dbSNP rs1962602688, ClinGen allele CA392954650.